The following is an entry in ClinVar:

NM_015884.4(MBTPS2):c.910C>A (p.Pro304Thr)

Gene: MBTPS2 (membrane bound transcription factor peptidase, site 2; plus strand). Cytogenetic location: Xp22.12.
Variant type: single nucleotide variant.
Coding change: c.910C>A on transcript NM_015884.4 (MANE Select); coding-DNA position 910, C replaced by A.
Protein change: p.Pro304Thr; replaces proline 304 with threonine.
Molecular consequence: missense variant.
Genome position (GRCh38, 1-based): chrX:21,869,618, C>A. VCF-style: chrX-21869618-C-A. GRCh37 (hg19) VCF-style: chrX-21887736-C-A.
Other names: short protein forms P304T.
Identifiers: ClinVar variation 2571912 (VCV002571912.1), dbSNP rs147880530, ClinGen allele CA327503958.
Genomic context (GRCh38, chrX:21,869,618, plus strand): 5'-GATTGTCCTGTTACTAATGTGCAAGATTGGAATGAATGTTTAGATACCATCGCCTATGAG[C>A]CCCAAATTGGTTACTGTATAAGTGCATCAACTTTACAGCAGTTAAGTTTCCCAGTTAGAG-3'
Protein context (NP_056968.1, residues 294-314): NECLDTIAYE[Pro304Thr]QIGYCISAST

ClinVar aggregate classification (germline): Uncertain significance (1 of 4 stars; one submission).

Allele frequency attached by ClinVar (database versions not stated): TOPMed 0.00001; ESP Exome Variant Server 0.00009.

Submission:

GeneDx
Classification: Uncertain significance. Last evaluated: 2023-01-06. Review status: criteria provided, single submitter. Criteria: GeneDx Variant Classification Process June 2021. Collection method: clinical testing. Allele origin: germline. Affected: yes.
Comment: Not observed at significant frequency in large population cohorts (gnomAD); In silico analysis supports that this missense variant has a deleterious effect on protein structure/function; Has not been previously published as pathogenic or benign to our knowledge